The following is an entry in ClinVar:

ClinVar aggregate classification (germline): Uncertain significance (1 of 4 stars; one submission).

Conditions:
Autosomal dominant childhood-onset proximal spinal muscular atrophy with contractures (SMALED2A). Also called: SPINAL MUSCULAR ATROPHY, LOWER EXTREMITY-PREDOMINANT, 2A, CHILDHOOD ONSET, AUTOSOMAL DOMINANT; Spinal muscular atrophy, lower extremity-predominant, 2A, autosomal dominant. Identifiers: Orphanet 363447, Orphanet 363454, MedGen C4747715, MONDO:0014121, OMIM 615290.

gnomAD v4.1: 1 of 1,613,866 alleles (0.000062%); highest among the groups gnomAD compares: Non-Finnish European, 0.000085%; no homozygotes.

Submission:

Labcorp Genetics (formerly Invitae), Labcorp
Classification: Uncertain significance for Autosomal dominant childhood-onset proximal spinal muscular atrophy with contractures. Last evaluated: 2024-03-07. Review status: criteria provided, single submitter. Criteria: Invitae Variant Classification Sherloc (09022015). Collection method: clinical testing. Allele origin: germline.
Comment: This sequence change replaces serine, which is neutral and polar, with asparagine, which is neutral and polar, at codon 338 of the BICD2 protein (p.Ser338Asn). This variant is not present in population databases (gnomAD no frequency). This variant has not been reported in the literature in individuals affected with BICD2-related conditions. Advanced modeling of protein sequence and biophysical properties (such as structural, functional, and spatial information, amino acid conservation, physicochemical variation, residue mobility, and thermodynamic stability) performed at Invitae indicates that this missense variant is not expected to disrupt BICD2 protein function with a negative predictive value of 80%. In summary, the available evidence is currently insufficient to determine the role of this variant in disease. Therefore, it has been classified as a Variant of Uncertain Significance.

NM_001003800.2(BICD2):c.1013G>A (p.Ser338Asn)

Gene: BICD2 (BICD cargo adaptor 2; minus strand). Cytogenetic location: 9q22.31.
Variant type: single nucleotide variant.
Coding change: c.1013G>A on transcript NM_001003800.2 (MANE Select); coding-DNA position 1013, G replaced by A.
Protein change: p.Ser338Asn; replaces serine 338 with asparagine.
Molecular consequence: missense variant.
Genome position (GRCh38, 1-based): chr9:92,720,349, C>T on the plus strand (G>A on the coding strand, the complement: BICD2 is on the minus strand). VCF-style: chr9-92720349-C-T. GRCh37 (hg19) VCF-style: chr9-95482631-C-T.
Other names: c.1013G>A, p.Ser338Asn (NM_015250.4); short protein forms S338N.
Identifiers: ClinVar variation 3690251 (VCV003690251.2).
Genomic context (GRCh38, chr9:92,720,349, plus strand): 5'-TGCCTGCTCACCTGCATCAGCTGCTGCTTCAGCTTCTGGATCTCAGAGATGTTGAGCTCA[C>T]TGAGTAGGTCGGAGACGAGGCTGGGGGAGGGCGGTGCGAGGCCCTCCTTCTTGGGCGTGG-3'
Protein context (NP_001003800.1, residues 328-348): PSPSLVSDLL[Ser338Asn]ELNISEIQKL